The following is an entry in ClinVar:

NM_001082486.2(ACD):c.884G>A (p.Ser295Asn)

Gene: ACD (ACD shelterin complex subunit and telomerase recruitment factor; minus strand). Cytogenetic location: 16q22.1.
Variant type: single nucleotide variant.
Coding change: c.884G>A on transcript NM_001082486.2 (MANE Select); coding-DNA position 884, G replaced by A.
Protein change: p.Ser295Asn; replaces serine 295 with asparagine.
Molecular consequence: missense variant.
Genome position (GRCh38, 1-based): chr16:67,658,308, C>T on the plus strand (G>A on the coding strand, the complement: ACD is on the minus strand). VCF-style: chr16-67658308-C-T. GRCh37 (hg19) VCF-style: chr16-67692211-C-T.
Other names: c.875G>A, p.Ser292Asn (NM_022914.3); short protein forms S292N, S295N.
Identifiers: ClinVar variation 999952 (VCV000999952.12), dbSNP rs760978454, ClinGen allele CA8114485.

ClinVar aggregate classification (germline): Uncertain significance. Review status: criteria provided, multiple submitters, no conflicts (2 of 4 stars). 2 submissions from 2 submitters: Uncertain significance (2). Last evaluated 2025-04-14.

Conditions:
Inborn genetic diseases. Identifiers: MedGen C0950123, MeSH D030342.
Dyskeratosis congenita, autosomal dominant 6 (DKCA6). Identifiers: Orphanet 3322, MedGen C4225284, MONDO:0014690, OMIM 616553.

Allele frequency attached by ClinVar (database versions not stated): gnomAD exomes below 0.00001 and 0.00002; TOPMed below 0.00001; ExAC 0.00001; gnomAD 0.00001.

Submissions (2):

Labcorp Genetics (formerly Invitae), Labcorp
Classification: Uncertain significance for Dyskeratosis congenita, autosomal dominant 6. Last evaluated: 2025-04-14. Review status: criteria provided, single submitter. Criteria: Invitae Variant Classification Sherloc (09022015). Collection method: clinical testing. Allele origin: germline.
Comment: This sequence change replaces serine, which is neutral and polar, with asparagine, which is neutral and polar, at codon 381 of the ACD protein (p.Ser381Asn). This variant is present in population databases (rs760978454, gnomAD 0.02%). This variant has not been reported in the literature in individuals affected with ACD-related conditions. ClinVar contains an entry for this variant (Variation ID: 999952). Invitae Evidence Modeling of protein sequence and biophysical properties (such as structural, functional, and spatial information, amino acid conservation, physicochemical variation, residue mobility, and thermodynamic stability) indicates that this missense variant is not expected to disrupt ACD protein function with a negative predictive value of 80%. In summary, the available evidence is currently insufficient to determine the role of this variant in disease. Therefore, it has been classified as a Variant of Uncertain Significance.

Ambry Genetics
Classification: Uncertain significance for Inborn genetic diseases. Last evaluated: 2024-04-09. Review status: criteria provided, single submitter. Criteria: Ambry Variant Classification Scheme 2023. Collection method: clinical testing. Allele origin: germline.
Comment: The p.S381N variant (also known as c.1142G>A), located in coding exon 10 of the ACD gene, results from a G to A substitution at nucleotide position 1142. The serine at codon 381 is replaced by asparagine, an amino acid with highly similar properties. This amino acid position is conserved. In addition, this alteration is predicted to be tolerated by in silico analysis. Since supporting evidence is limited at this time, the clinical significance of this alteration remains unclear.